The following is an entry in ClinVar:

NM_002491.3(NDUFB3):c.235G>A (p.Val79Met)

Gene: NDUFB3 (NADH:ubiquinone oxidoreductase subunit B3; plus strand). Cytogenetic location: 2q33.1.
Variant type: single nucleotide variant.
Coding change: c.235G>A on transcript NM_002491.3 (MANE Select); coding-DNA position 235, G replaced by A.
Protein change: p.Val79Met; replaces valine 79 with methionine.
Molecular consequence: missense variant.
Genome position (GRCh38, 1-based): chr2:201,085,553, G>A. VCF-style: chr2-201085553-G-A. GRCh37 (hg19) VCF-style: chr2-201950276-G-A.
Other names: c.235G>A, p.Val79Met (NM_001257102.2); short protein forms V79M.
Identifiers: ClinVar variation 1919524 (VCV001919524.5), dbSNP rs560441197, ClinGen allele CA63869148.

ClinVar aggregate classification (germline): Uncertain significance (1 of 4 stars; one submission).

Allele frequency attached by ClinVar (database versions not stated): TOPMed 0.00002; gnomAD 0.00003; 1000 Genomes Project 30x 0.00016; 1000 Genomes Project 0.00020.
gnomAD v4.1: 8 of 1,612,758 alleles (0.0005%); highest among the groups gnomAD compares: Admixed American, 0.0017%; no homozygotes.

Submission:

Labcorp Genetics (formerly Invitae), Labcorp
Classification: Uncertain significance. Last evaluated: 2025-01-27. Review status: criteria provided, single submitter. Criteria: Invitae Variant Classification Sherloc (09022015). Collection method: clinical testing. Allele origin: germline.
Comment: This sequence change replaces valine, which is neutral and non-polar, with methionine, which is neutral and non-polar, at codon 79 of the NDUFB3 protein (p.Val79Met). This variant is not present in population databases (gnomAD no frequency). This variant has not been reported in the literature in individuals affected with NDUFB3-related conditions. ClinVar contains an entry for this variant (Variation ID: 1919524). An algorithm developed to predict the effect of missense changes on protein structure and function (PolyPhen-2) suggests that this variant is likely to be tolerated. In summary, the available evidence is currently insufficient to determine the role of this variant in disease. Therefore, it has been classified as a Variant of Uncertain Significance.